The following is an entry in ClinVar:

ClinVar aggregate classification (germline): Likely benign. Review status: reviewed by expert panel (3 of 4 stars). 3 submissions from 3 submitters: Likely benign (1). 2 of the submissions do not count toward it. Last evaluated 2017-06-29.

Conditions:
Hereditary cancer-predisposing syndrome. Also called: Tumor predisposition; Hereditary Cancer Syndrome; Hereditary neoplastic syndrome; Neoplastic Syndromes, Hereditary. Identifiers: Orphanet 140162, MedGen C0027672, MeSH D009386, MONDO:0015356.
Hereditary breast ovarian cancer syndrome. Also called: Breast and ovarian cancer; Hereditary breast and ovarian cancer syndrome; Hereditary breast and ovarian cancer; BRCA1- and BRCA2-Associated Hereditary Breast and Ovarian Cancer; Hereditary breast and ovarian cancer syndrome (HBOC); Hereditary breast and/or ovarian cancer syndrome. Identifiers: Orphanet 145, MedGen C0677776, MeSH D061325, MONDO:0003582. Disease mechanism: loss of function.
Breast-ovarian cancer, familial, susceptibility to, 2 (BROVCA2). Also called: BRCA2 Hereditary Breast and Ovarian Cancer. Identifiers: Orphanet 145, MedGen C2675520, MONDO:0012933, OMIM 612555. Disease mechanism: loss of function.

Submissions (3):

Evidence-based Network for the Interpretation of Germline Mutant Alleles (ENIGMA)
Classification: Likely benign for Breast-ovarian cancer, familial, susceptibility to, 2. Last evaluated: 2017-06-29. Review status: reviewed by expert panel. Criteria: ENIGMA BRCA1/2 Classification Criteria (2017-06-29). Collection method: curation. Allele origin: germline.
Comment: Synonymous substitution variant, with low bioinformatic likelihood to result in a splicing aberration (Splicing prior probability 0.02).

Labcorp Genetics (formerly Invitae), Labcorp
Classification: Likely benign for Hereditary breast ovarian cancer syndrome. Last evaluated: 2025-05-13. Review status: criteria provided, single submitter. Criteria: Invitae Variant Classification Sherloc (09022015). Collection method: clinical testing. Allele origin: germline. Not counted in ClinVar's aggregate classification.

Ambry Genetics
Classification: Likely benign for Hereditary cancer-predisposing syndrome. Last evaluated: 2019-06-28. Review status: criteria provided, single submitter. Criteria: Ambry Variant Classification Scheme 2023. Collection method: clinical testing. Allele origin: germline. Not counted in ClinVar's aggregate classification.

NM_000059.4(BRCA2):c.1044G>A (p.Val348=)

Gene: BRCA2 (BRCA2 DNA repair associated; plus strand). Cytogenetic location: 13q13.1.
Variant type: single nucleotide variant.
Coding change: c.1044G>A on transcript NM_000059.4 (MANE Select); coding-DNA position 1044, G replaced by A.
Protein change: p.Val348=; no amino-acid change (valine 348 retained).
Molecular consequence: synonymous variant.
Genome position (GRCh38, 1-based): chr13:32,332,522, G>A. VCF-style: chr13-32332522-G-A. GRCh37 (hg19) VCF-style: chr13-32906659-G-A.
Identifiers: ClinVar variation 185121 (VCV000185121.16), dbSNP rs786201942, ClinGen allele CA010658.